The following is an entry in ClinVar:

NM_000138.5(FBN1):c.3901_3904dup (p.Ser1302fs)

Gene: FBN1 (fibrillin 1; minus strand). Cytogenetic location: 15q21.1.
Variant type: Duplication.
Coding change: c.3901_3904dup on transcript NM_000138.5 (MANE Select); coding-DNA positions 3901 to 3904, 4 bases duplicated (GGCT; older notation c.3901_3904dupGGCT).
Protein change: p.Ser1302fs; shifts the reading frame from serine 1302.
Molecular consequence: frameshift variant.
Genome position (GRCh38, 1-based): chr15:48,481,715-48,481,718, AGCC duplicated on the plus strand (GGCT on the coding strand, the reverse complement: FBN1 is on the minus strand). VCF-style (leftmost placement, unchanged base first): chr15-48481714-G-GAGCC. GRCh37 (hg19) VCF-style: chr15-48773911-G-GAGCC.
Other names: short protein forms S1302fs.
Identifiers: ClinVar variation 1454325 (VCV001454325.6), dbSNP rs2141287379, ClinGen allele CA2573150776.
Genomic context (GRCh38, chr15:48,481,714, plus strand): 5'-CCTGTACAGCCAGTTTTTCCTTTTTTGCCGGAGTAGCCCATATCACAGTGGCAGATAAAT[G>GAGCC]AGCCTTTCGTGTTTTCACAGGTCCCACTTAGGCAGATATTTGGATTCAGGTCACACTCAT-3'

ClinVar aggregate classification (germline): Pathogenic (1 of 4 stars; one submission).

Conditions:
Marfan syndrome (MFS). Also called: MARFAN SYNDROME, TYPE I; Marfan syndrome type 1; Marfan's syndrome; Marfan syndrome, classic; FBN1-Related Marfan Syndrome. Identifiers: Orphanet 284963, Orphanet 558, MedGen C0024796, MONDO:0007947, OMIM 154700.
Familial thoracic aortic aneurysm and aortic dissection (TAAD). Also called: Thoracic aortic aneurysms and dissections. Identifiers: Orphanet 91387, MedGen C4707243, MONDO:0019625.

Submission:

Labcorp Genetics (formerly Invitae), Labcorp
Classification: Pathogenic for Marfan syndrome; Familial thoracic aortic aneurysm and aortic dissection. Last evaluated: 2021-03-02. Review status: criteria provided, single submitter. Criteria: Invitae Variant Classification Sherloc (09022015). Collection method: clinical testing. Allele origin: germline.
Comment: For these reasons, this variant has been classified as Pathogenic. This variant has not been reported in the literature in individuals with FBN1-related conditions. This variant is not present in population databases (ExAC no frequency). This sequence change creates a premature translational stop signal (p.Ser1302Trpfs*8) in the FBN1 gene. It is expected to result in an absent or disrupted protein product. Loss-of-function variants in FBN1 are known to be pathogenic (PMID: 17657824, 19293843).

Literature cited by the submitters: PubMed 17657824; PubMed 19293843.